The following is an entry in ClinVar:

NM_015935.5(METTL13):c.887G>A (p.Arg296Gln)

Gene: METTL13 (methyltransferase 13, eEF1A N-terminus and K55; plus strand). Cytogenetic location: 1q24.3.
Variant type: single nucleotide variant.
Coding change: c.887G>A on transcript NM_015935.5 (MANE Select); coding-DNA position 887, G replaced by A.
Protein change: p.Arg296Gln; replaces arginine 296 with glutamine.
Molecular consequence: missense variant. On other transcripts: intron variant (1).
Genome position (GRCh38, 1-based): chr1:171,784,473, G>A. VCF-style: chr1-171784473-G-A. GRCh37 (hg19) VCF-style: chr1-171753613-G-A.
Other names: c.629G>A, p.Arg210Gln (NM_014955.3); c.453+434G>A (NM_001007239.2); short protein forms R210Q, R296Q.
Identifiers: ClinVar variation 3050377 (VCV003050377.2), dbSNP rs61733149, ClinGen allele CA1244729.

ClinVar aggregate classification (germline): Benign (0 of 4 stars; one submission).

Conditions:
METTL13-related disorder. Also called: METTL13-related condition.

Allele frequency attached by ClinVar (database versions not stated): gnomAD exomes 0.00023; ExAC 0.00039; gnomAD 0.00051; ESP Exome Variant Server 0.00055; TOPMed 0.00083.
gnomAD v4.1: 440 of 1,505,246 alleles (0.029%); highest among the groups gnomAD compares: Admixed American, 0.091%; 1 homozygote.

Submission:

PreventionGenetics, part of Exact Sciences
Classification: Benign for METTL13-related condition. Last evaluated: 2019-07-11. Review status: no assertion criteria provided. Collection method: clinical testing. Allele origin: germline.
Comment: This variant is classified as benign based on ACMG/AMP sequence variant interpretation guidelines (Richards et al. 2015 PMID: 25741868, with internal and published modifications).